The following is an entry in ClinVar:

NM_001042492.3(NF1):c.7598_7600dup (p.Asn2533_Thr2534insAsn)

Gene: NF1 (neurofibromin 1; plus strand). Cytogenetic location: 17q11.2.
Variant type: Duplication.
Coding change: c.7598_7600dup on transcript NM_001042492.3 (MANE Select); coding-DNA positions 7598 to 7600, 3 bases duplicated (ACA; older notation c.7598_7600dupACA).
Protein change: p.Asn2533_Thr2534insAsn.
Molecular consequence: inframe indel (on NM_000267.3).
Genome position (GRCh38, 1-based): chr17:31,352,397-31,352,399, ACA duplicated; duplicating any 3 consecutive bases within chr17:31,352,395-31,352,399 gives the same sequence; the c. name uses the placement nearest the transcript's 3' end. VCF-style (leftmost placement, unchanged base first): chr17-31352394-C-CCAA. GRCh37 (hg19) VCF-style: chr17-29679412-C-CCAA.
Other names: c.7535_7537dupACA (NM_000267.3); c.7535_7537dup, p.Asn2512_Thr2513insAsn (NM_000267.4).
Identifiers: ClinVar variation 4119043 (VCV004119043.2).

ClinVar aggregate classification (germline): Uncertain significance. Review status: criteria provided, multiple submitters, no conflicts (2 of 4 stars). 2 submissions from 2 submitters: Uncertain significance (2). Last evaluated 2025-12-16.

Conditions:
Neurofibromatosis, type 1 (NF1). Also called: NEUROFIBROMATOSIS, TYPE I, SOMATIC; Peripheral type neurofibromatosis; Neurofibromatosis, type I; VON RECKLINGHAUSEN DISEASE. Identifiers: Orphanet 636, MedGen C0027831, MONDO:0018975, OMIM 162200. Disease mechanism: loss of function.
Hereditary cancer-predisposing syndrome. Also called: Neoplastic Syndromes, Hereditary; Tumor predisposition; Hereditary Cancer Syndrome; Hereditary neoplastic syndrome. Identifiers: Orphanet 140162, MedGen C0027672, MeSH D009386, MONDO:0015356.
Cardiovascular phenotype. Identifiers: MedGen CN230736.

Submissions (2):

Labcorp Genetics (formerly Invitae), Labcorp
Classification: Uncertain significance for Neurofibromatosis, type 1. Last evaluated: 2025-12-16. Review status: criteria provided, single submitter. Criteria: Invitae Variant Classification Sherloc (09022015). Collection method: clinical testing. Allele origin: germline.
Comment: This variant, c.7535_7537dup, results in the insertion of 1 amino acid(s) of the NF1 protein (p.Asn2512dup), but otherwise preserves the integrity of the reading frame. This variant is not present in population databases (gnomAD no frequency). This variant has not been reported in the literature in individuals affected with NF1-related conditions. ClinVar contains an entry for this variant (Variation ID: 4119043). In summary, the available evidence is currently insufficient to determine the role of this variant in disease. Therefore, it has been classified as a Variant of Uncertain Significance.

Ambry Genetics
Classification: Uncertain significance for Cardiovascular phenotype; Hereditary cancer-predisposing syndrome. Last evaluated: 2025-08-06. Review status: criteria provided, single submitter. Criteria: Ambry Variant Classification Scheme 2023. Collection method: clinical testing. Allele origin: germline.
Comment: The c.7535_7537dupACA variant (also known as p.N2512dup), located in coding exon 50 of the NF1 gene, results from an in-frame duplication of ACA at nucleotide positions 7535 to 7537. This results in the duplication of an extra residue between codons 2512 and 2513. This amino acid position is highly conserved in available vertebrate species. In addition, the in silico prediction for this variant is inconclusive (Choi Y et al. PLoS ONE. 2012; 7(10):e46688). Based on the available evidence, the clinical significance of this variant remains unclear.